The following is an entry in ClinVar:

ClinVar aggregate classification (germline): Pathogenic (1 of 4 stars; one submission).

Conditions:
Neuronal ceroid lipofuscinosis 11. Also called: GRN-Related Neuronal Ceroid-Lipofuscinosis. Identifiers: Orphanet 314629, Orphanet 79262, MedGen C3539123, MONDO:0013866, OMIM 614706.
GRN-related frontotemporal lobar degeneration with Tdp43 inclusions (FTD2). Also called: GRN Frontotemporal Dementia; DEMENTIA, HEREDITARY DYSPHASIC DISINHIBITION; FRONTOTEMPORAL LOBAR DEGENERATION WITH UBIQUITIN-POSITIVE INCLUSIONS; FTLD-TDP, GRN-RELATED; FRONTOTEMPORAL DEMENTIA WITH TDP43 INCLUSIONS, GRN-RELATED. Identifiers: Orphanet 100070, Orphanet 282, MedGen C1843792, MONDO:0011842, OMIM 607485. Disease mechanism: loss of function.

Submission:

Labcorp Genetics (formerly Invitae), Labcorp
Classification: Pathogenic for Neuronal ceroid lipofuscinosis 11; GRN-related frontotemporal lobar degeneration with Tdp43 inclusions. Last evaluated: 2021-12-26. Review status: criteria provided, single submitter. Criteria: Invitae Variant Classification Sherloc (09022015). Collection method: clinical testing. Allele origin: germline.
Comment: This sequence change creates a premature translational stop signal (p.Pro166Leufs*2) in the GRN gene. It is expected to result in an absent or disrupted protein product. Loss-of-function variants in GRN are known to be pathogenic (PMID: 16862116, 16950801, 22608501). This variant is not present in population databases (gnomAD no frequency). This premature translational stop signal has been observed in individual(s) with behavioral variant FTD (PMID: 31031559). Algorithms developed to predict the effect of sequence changes on RNA splicing suggest that this variant may create or strengthen a splice site. For these reasons, this variant has been classified as Pathogenic.

Literature cited by the submitters: PubMed 16862116; PubMed 16950801; PubMed 22608501; PubMed 31031559.

NM_002087.4(GRN):c.472_496dup (p.Pro166delinsLeuTer)

Gene: GRN (granulin precursor; plus strand). Cytogenetic location: 17q21.31.
Variant type: Duplication.
Coding change: c.472_496dup on transcript NM_002087.4 (MANE Select); coding-DNA positions 472 to 496, 25 bases duplicated (TGTGAAGACAGGGTGCACTGCTGTC).
Protein change: p.Pro166delinsLeuTer.
Molecular consequence: nonsense.
Genome position (GRCh38, 1-based): chr17:44,350,451-44,350,475, TGTGAAGACAGGGTGCACTGCTGTC duplicated; duplicating any 25 consecutive bases within chr17:44,350,450-44,350,475 gives the same sequence; the c. name uses the placement nearest the transcript's 3' end. VCF-style (leftmost placement, unchanged base first): chr17-44350449-G-GCTGTGAAGACAGGGTGCACTGCTGT. GRCh37 (hg19) VCF-style: chr17-42427817-G-GCTGTGAAGACAGGGTGCACTGCTGT.
Identifiers: ClinVar variation 1922048 (VCV001922048.5), dbSNP rs2510055566, ClinGen allele CA2580093886.